The following is an entry in ClinVar:

NM_001267550.2(TTN):c.36448+4_36532+3del

Gene: TTN (titin; minus strand). Cytogenetic location: 2q31.2.
Variant type: Deletion.
Coding change: c.36448+4_36532+3del on transcript NM_001267550.2 (MANE Select); 4 bases into the intron after coding-DNA position 36448 through 3 bases into the intron after coding-DNA position 36532, 192 bases deleted.
Molecular consequence: splice acceptor variant, splice donor variant. On other transcripts: intron variant (5).
Genome position (GRCh38, 1-based): chr2:178,663,624-178,663,815, 192 bases deleted. GRCh37 (hg19): chr2:179,528,393-179,528,584.
Other names: c.13283-21498_13283-21307del (NM_003319.4); c.13859-21498_13859-21307del (NM_133437.4); c.13658-21498_13658-21307del (NM_133432.3); c.31484-760_31484-569del (NM_133378.4); c.34265-760_34265-569del (NM_001256850.1).
Identifiers: ClinVar variation 1372458 (VCV001372458.6), dbSNP rs2154258800, ClinGen allele CA2573133877.

ClinVar aggregate classification (germline): Uncertain significance (1 of 4 stars; one submission).

Conditions:
Dilated cardiomyopathy 1G (CMD1G). Identifiers: Orphanet 154, MedGen C1858763, MONDO:0011400, OMIM 604145.
Autosomal recessive limb-girdle muscular dystrophy type 2J (LGMDR10). Also called: Limb-girdle muscular dystrophy, type 2J; MUSCULAR DYSTROPHY, LIMB-GIRDLE, AUTOSOMAL RECESSIVE 10. Identifiers: Orphanet 140922, MedGen C1837342, MONDO:0012127, OMIM 608807.

Submission:

Labcorp Genetics (formerly Invitae), Labcorp
Classification: Uncertain significance for Dilated cardiomyopathy 1G; Autosomal recessive limb-girdle muscular dystrophy type 2J. Last evaluated: 2025-12-14. Review status: criteria provided, single submitter. Criteria: Invitae Variant Classification Sherloc (09022015). Collection method: clinical testing. Allele origin: germline.
Comment: This variant is a gross deletion of the genomic region encompassing exon(s) 171 of the TTN gene. This variant would be expected to be in-frame, preserving the integrity of the reading frame. This variant is not present in population databases (gnomAD no frequency). This variant has not been reported in the literature in individuals affected with TTN-related conditions. ClinVar contains an entry for this variant (Variation ID: 1372458). This variant disrupts the I band of TTN (PMID: 25589632). Copy number variants in TTN have been previously reported in individuals affected with neuromuscular disorders (PMID: 29792937, 30238059), but the functional significance of this variant is currently unknown. In summary, the available evidence is currently insufficient to determine the role of this variant in disease. Therefore, it has been classified as a Variant of Uncertain Significance.

Literature cited by the submitters: PubMed 25589632; PubMed 29792937; PubMed 30238059.